The following is an entry in ClinVar:

NM_002878.4(RAD51D):c.284C>T (p.Ala95Val)

Genes: RAD51D (RAD51 paralog D; minus strand), RAD51L3-RFFL (RAD51L3-RFFL readthrough; minus strand). Cytogenetic location: 17q12.
Variant type: single nucleotide variant.
Coding change: c.284C>T on transcript NM_002878.4 (MANE Select); coding-DNA position 284, C replaced by T.
Protein change: p.Ala95Val; replaces alanine 95 with valine.
Molecular consequence: missense variant. On other transcripts: non-coding transcript variant (2), intron variant (1).
Genome position (GRCh38, 1-based): chr17:35,107,427, G>A on the plus strand (C>T on the coding strand, the complement: RAD51D is on the minus strand). VCF-style: chr17-35107427-G-A. GRCh37 (hg19) VCF-style: chr17-33434446-G-A.
Other names: c.344C>T, p.Ala115Val (NM_001142571.2); c.145-946C>T (NM_133629.3); short protein forms A115V, A95V.
Identifiers: ClinVar variation 922404 (VCV000922404.3), dbSNP rs2091621455, ClinGen allele CA399089992.
Genomic context (GRCh38, chr17:35,107,427, plus strand): 5'-TGAGTTTTGCCGCTACCTGGGCCTCCTACAATTTCAGTCACTTCTCCAGTATAGAGACCA[G>A]CATCAAGCAGTTTATCAAGACTGATGGCAGAAGAGAAGAAAATCAACACAAGAGGTTAGG-3'
Protein context (NP_002869.3, residues 85-105): GIGSLDKLLD[Ala95Val]GLYTGEVTEI

ClinVar aggregate classification (germline): Uncertain significance (1 of 4 stars; one submission).

Conditions:
Hereditary cancer-predisposing syndrome. Also called: Neoplastic Syndromes, Hereditary; Tumor predisposition; Hereditary Cancer Syndrome; Hereditary neoplastic syndrome. Identifiers: Orphanet 140162, MedGen C0027672, MeSH D009386, MONDO:0015356.

Submission:

Color Diagnostics, LLC DBA Color Health
Classification: Uncertain significance for Hereditary cancer-predisposing syndrome. Last evaluated: 2020-01-06. Review status: criteria provided, single submitter. Criteria: ACMG Guidelines, 2015. Collection method: clinical testing. Allele origin: germline.
Comment: This missense variant replaces alanine with valine at codon 95 of the RAD51D protein. Computational prediction tool suggests that this variant may not impact protein structure and function (internally defined REVEL score threshold ≤0.5, PMID: 27666373). Splice site prediction tools suggest that this variant may not impact RNA splicing. To our knowledge, functional studies have not been performed for this variant. This variant has not been reported in individuals affected with hereditary cancer in the literature. This variant has not been identified in the general population by the Genome Aggregation Database (gnomAD). The available evidence is insufficient to determine the role of this variant in disease conclusively. Therefore, this variant is classified as a Variant of Uncertain Significance.